The following is an entry in ClinVar:

NM_000059.4(BRCA2):c.7581A>G (p.Val2527=)

Gene: BRCA2 (BRCA2 DNA repair associated; plus strand). Cytogenetic location: 13q13.1.
Variant type: single nucleotide variant.
Coding change: c.7581A>G on transcript NM_000059.4 (MANE Select); coding-DNA position 7581, A replaced by G.
Protein change: p.Val2527=; no amino-acid change (valine 2527 retained).
Molecular consequence: synonymous variant.
Genome position (GRCh38, 1-based): chr13:32,356,573, A>G. VCF-style: chr13-32356573-A-G. GRCh37 (hg19) VCF-style: chr13-32930710-A-G.
Identifiers: ClinVar variation 827137 (VCV000827137.20), dbSNP rs1409888455, ClinGen allele CA483260440.

ClinVar aggregate classification (germline): Likely benign. Review status: criteria provided, multiple submitters, no conflicts (2 of 4 stars). 4 submissions from 4 submitters: Likely benign (4). Last evaluated 2025-03-04.

Conditions:
Hereditary cancer-predisposing syndrome. Also called: Neoplastic Syndromes, Hereditary; Tumor predisposition; Hereditary neoplastic syndrome; Hereditary Cancer Syndrome. Identifiers: Orphanet 140162, MedGen C0027672, MeSH D009386, MONDO:0015356.
Hereditary breast ovarian cancer syndrome. Also called: Hereditary breast and ovarian cancer syndrome; Hereditary breast and ovarian cancer; Hereditary breast and ovarian cancer syndrome (HBOC); Breast and ovarian cancer; Hereditary breast and/or ovarian cancer syndrome; BRCA1- and BRCA2-Associated Hereditary Breast and Ovarian Cancer. Identifiers: Orphanet 145, MedGen C0677776, MeSH D061325, MONDO:0003582. Disease mechanism: loss of function.

Submissions (4):

Center for Genomic Medicine, Rigshospitalet, Copenhagen University Hospital
Classification: Likely benign. Last evaluated: 2025-03-04. Review status: criteria provided, single submitter. Criteria: ACMG Guidelines, 2015. Collection method: clinical testing. Allele origin: germline.

Department of Clinical Genetics, Copenhagen University Hospital, Rigshospitalet
Classification: Likely benign for Hereditary cancer-predisposing syndrome. Last evaluated: 2024-02-02. Review status: criteria provided, single submitter. Criteria: ACMG Guidelines, 2015. Collection method: clinical testing. Allele origin: germline.
Comment: The following ACMG criteria is used: PM2_Supporting (not reported in gnomAD), BP4 (SpliceAI: less than or equal to 0.1), BP7

Labcorp Genetics (formerly Invitae), Labcorp
Classification: Likely benign for Hereditary breast ovarian cancer syndrome. Last evaluated: 2019-07-14. Review status: criteria provided, single submitter. Criteria: Invitae Variant Classification Sherloc (09022015). Collection method: clinical testing. Allele origin: germline.

Ambry Genetics
Classification: Likely benign for Hereditary cancer-predisposing syndrome. Last evaluated: 2019-03-20. Review status: criteria provided, single submitter. Criteria: Ambry Variant Classification Scheme 2023. Collection method: clinical testing. Allele origin: germline.